The following is an entry in ClinVar:

ClinVar aggregate classification (germline): Pathogenic. Review status: criteria provided, multiple submitters, no conflicts (2 of 4 stars). 2 submissions from 2 submitters: Pathogenic (2). Last evaluated 2024-06-05.

Conditions:
Hereditary cancer-predisposing syndrome. Also called: Hereditary Cancer Syndrome; Hereditary neoplastic syndrome; Neoplastic Syndromes, Hereditary; Tumor predisposition. Identifiers: Orphanet 140162, MedGen C0027672, MeSH D009386, MONDO:0015356.
Lynch syndrome 5 (LYNCH5). Also called: Hereditary non-polyposis colorectal cancer, type 5; Colorectal cancer, hereditary nonpolyposis, type 5. Identifiers: Orphanet 144, MedGen C1833477, MONDO:0013710, OMIM 614350. Disease mechanism: loss of function.

Submissions (2):

Ambry Genetics
Classification: Pathogenic for Hereditary cancer-predisposing syndrome. Last evaluated: 2024-06-05. Review status: criteria provided, single submitter. Criteria: Ambry Variant Classification Scheme 2023. Collection method: clinical testing. Allele origin: germline.
Comment: The p.E490* pathogenic mutation (also known as c.1468G>T), located in coding exon 4 of the MSH6 gene, results from a G to T substitution at nucleotide position 1468. This changes the amino acid from a glutamic acid to a stop codon within coding exon 4. This variant is considered to be rare based on population cohorts in the Genome Aggregation Database (gnomAD). This alteration is expected to result in loss of function by premature protein truncation or nonsense-mediated mRNA decay. As such, this alteration is interpreted as a disease-causing mutation.

Myriad Genetics, Inc.
Classification: Pathogenic for Lynch syndrome 5. Last evaluated: 2023-06-01. Review status: criteria provided, single submitter. Criteria: Myriad Autosomal Dominant, Autosomal Recessive and X-Linked Classification Criteria (2023). Collection method: clinical testing. Allele origin: unknown.
Comment: This variant is considered pathogenic. This variant creates a termination codon and is predicted to result in premature protein truncation.

NM_000179.3(MSH6):c.1468G>T (p.Glu490Ter)

Gene: MSH6 (mutS homolog 6; plus strand). Cytogenetic location: 2p16.3.
Variant type: single nucleotide variant.
Coding change: c.1468G>T on transcript NM_000179.3 (MANE Select); coding-DNA position 1468, G replaced by T.
Protein change: p.Glu490Ter; replaces glutamic acid 490 with a stop codon.
Molecular consequence: nonsense.
Genome position (GRCh38, 1-based): chr2:47,799,451, G>T. VCF-style: chr2-47799451-G-T. GRCh37 (hg19) VCF-style: chr2-48026590-G-T.
Other names: c.1078G>T, p.Glu360Ter (NM_001281492.2); c.562G>T, p.Glu188Ter (NM_001281493.2, NM_001281494.2, NM_001406811.1 and 6 more transcripts); c.1564G>T, p.Glu522Ter (NM_001406795.1, NM_001406802.1); c.1468G>T, p.Glu490Ter (NM_001406796.1, NM_001406798.1, NM_001406800.1 and 4 more transcripts); c.1171G>T, p.Glu391Ter (NM_001406797.1, NM_001406801.1, NM_001406805.1 and 10 more transcripts); c.943G>T, p.Glu315Ter (NM_001406799.1, NM_001406806.1, NM_001406807.1); c.1390G>T, p.Glu464Ter (NM_001406804.1); c.1474G>T, p.Glu492Ter (NM_001406813.1); and 1 more; short protein forms E188*, E391*, E464*, E522*, E315*, E434*, E360*, E490*.
Identifiers: ClinVar variation 1773302 (VCV001773302.5), dbSNP rs1558661782, ClinGen allele CA346745872.